The following is an entry in ClinVar:

ClinVar aggregate classification (germline): Uncertain significance (1 of 4 stars; one submission).

Conditions:
Cardiovascular phenotype. Identifiers: MedGen CN230736.

Submission:

Ambry Genetics
Classification: Uncertain significance for Cardiovascular phenotype. Last evaluated: 2026-09-11. Review status: criteria provided, single submitter. Criteria: Ambry Variant Classification Scheme 2023. Collection method: clinical testing. Allele origin: germline.
Comment: The p.V643I variant (also known as c.1927G>A), located in coding exon 14 of the APOB gene, results from a G to A substitution at nucleotide position 1927. The valine at codon 643 is replaced by isoleucine, an amino acid with highly similar properties. This amino acid position is conserved. In addition, this alteration is predicted to be tolerated by in silico analysis. Based on the available evidence, the clinical significance of this variant remains unclear.

NM_000384.3(APOB):c.1927G>A (p.Val643Ile)

Gene: APOB (apolipoprotein B; minus strand). Cytogenetic location: 2p24.1.
Variant type: single nucleotide variant.
Coding change: c.1927G>A on transcript NM_000384.3 (MANE Select); coding-DNA position 1927, G replaced by A.
Protein change: p.Val643Ile; replaces valine 643 with isoleucine.
Molecular consequence: missense variant.
Genome position (GRCh38, 1-based): chr2:21,027,968, C>T on the plus strand (G>A on the coding strand, the complement: APOB is on the minus strand). VCF-style: chr2-21027968-C-T. GRCh37 (hg19) VCF-style: chr2-21250840-C-T.
Other names: short protein forms V643I.
Identifiers: ClinVar variation 3933488 (VCV003933488.2).